The following is an entry in ClinVar:

NM_020949.3(SLC7A14):c.158T>C (p.Leu53Pro)

Genes: SLC7A14 (solute carrier family 7 member 14; minus strand), SLC7A14-AS1 (SLC7A14 antisense RNA 1; plus strand). Cytogenetic location: 3q26.2.
Variant type: single nucleotide variant.
Coding change: c.158T>C on transcript NM_020949.3 (MANE Select); coding-DNA position 158, T replaced by C.
Protein change: p.Leu53Pro; replaces leucine 53 with proline.
Molecular consequence: missense variant.
Genome position (GRCh38, 1-based): chr3:170,526,779, A>G on the plus strand (T>C on the coding strand, the complement: SLC7A14 is on the minus strand). VCF-style: chr3-170526779-A-G. GRCh37 (hg19) VCF-style: chr3-170244568-A-G.
Other names: short protein forms L53P.
Identifiers: ClinVar variation 2176968 (VCV002176968.5), dbSNP rs745670307, ClinGen allele CA2702001.
Genomic context (GRCh38, chr3:170,526,779, plus strand): 5'-ACATACATGCCAGTGCCCACACAGCTGCCAACGCCAAGAGAGATGAGGTCCACTGTGGTG[A>G]GTACCTGGGCTAGCTTAGTTCCATGTGCCGTGGTGGTCCCAGTTCCCTCTAGCATGGACT-3'
Protein context (NP_066000.2, residues 43-63): TAHGTKLAQV[Leu53Pro]TTVDLISLGV

ClinVar aggregate classification (germline): Uncertain significance. Review status: criteria provided, multiple submitters, no conflicts (2 of 4 stars). 2 submissions from 2 submitters: Uncertain significance (2). Last evaluated 2025-03-12.

Allele frequency attached by ClinVar (database versions not stated): TOPMed below 0.00001; ExAC 0.00001; gnomAD 0.00001; gnomAD exomes 0.00001.
gnomAD v4.1: 10 of 1,614,118 alleles (0.00062%); highest among the groups gnomAD compares: Middle Eastern, 0.033%; no homozygotes.

Submissions (2):

Labcorp Genetics (formerly Invitae), Labcorp
Classification: Uncertain significance. Last evaluated: 2025-03-12. Review status: criteria provided, single submitter. Criteria: Invitae Variant Classification Sherloc (09022015). Collection method: clinical testing. Allele origin: germline.
Comment: This sequence change replaces leucine, which is neutral and non-polar, with proline, which is neutral and non-polar, at codon 53 of the SLC7A14 protein (p.Leu53Pro). This variant is present in population databases (rs745670307, gnomAD 0.0009%). This variant has not been reported in the literature in individuals affected with SLC7A14-related conditions. ClinVar contains an entry for this variant (Variation ID: 2176968). An algorithm developed to predict the effect of missense changes on protein structure and function (PolyPhen-2) suggests that this variant is likely to be disruptive. In summary, the available evidence is currently insufficient to determine the role of this variant in disease. Therefore, it has been classified as a Variant of Uncertain Significance.

Blueprint Genetics
Classification: Uncertain significance. Last evaluated: 2020-12-01. Review status: criteria provided, single submitter. Criteria: ACMG Guidelines, 2015. Collection method: clinical testing. Allele origin: germline.